The following is an entry in ClinVar:

NM_014264.5(PLK4):c.1112G>A (p.Arg371Gln)

Gene: PLK4 (polo like kinase 4; plus strand). Cytogenetic location: 4q28.1.
Variant type: single nucleotide variant.
Coding change: c.1112G>A on transcript NM_014264.5 (MANE Select); coding-DNA position 1112, G replaced by A.
Protein change: p.Arg371Gln; replaces arginine 371 with glutamine.
Molecular consequence: missense variant.
Genome position (GRCh38, 1-based): chr4:127,886,482, G>A. VCF-style: chr4-127886482-G-A. GRCh37 (hg19) VCF-style: chr4-128807637-G-A.
Other names: c.1016G>A, p.Arg339Gln (NM_001190799.2); c.989G>A, p.Arg330Gln (NM_001190801.2); short protein forms R339Q, R371Q, R330Q.
Identifiers: ClinVar variation 969504 (VCV000969504.7), dbSNP rs961446130, ClinGen allele CA105637046.

ClinVar aggregate classification (germline): Uncertain significance. Review status: criteria provided, multiple submitters, no conflicts (2 of 4 stars). 2 submissions from 2 submitters: Uncertain significance (2). Last evaluated 2025-07-07.

Conditions:
Inborn genetic diseases. Identifiers: MedGen C0950123, MeSH D030342.

Allele frequency attached by ClinVar (database versions not stated): gnomAD exomes 0.00001; gnomAD 0.00004; TOPMed 0.00006.

Submissions (2):

Labcorp Genetics (formerly Invitae), Labcorp
Classification: Uncertain significance. Last evaluated: 2025-07-07. Review status: criteria provided, single submitter. Criteria: Invitae Variant Classification Sherloc (09022015). Collection method: clinical testing. Allele origin: germline.
Comment: This sequence change replaces arginine, which is basic and polar, with glutamine, which is neutral and polar, at codon 371 of the PLK4 protein (p.Arg371Gln). This variant is present in population databases (no rsID available, gnomAD 0.008%). This variant has not been reported in the literature in individuals affected with PLK4-related conditions. ClinVar contains an entry for this variant (Variation ID: 969504). An algorithm developed to predict the effect of missense changes on protein structure and function (PolyPhen-2) suggests that this variant is likely to be disruptive. In summary, the available evidence is currently insufficient to determine the role of this variant in disease. Therefore, it has been classified as a Variant of Uncertain Significance.

Ambry Genetics
Classification: Uncertain significance for Inborn genetic diseases. Last evaluated: 2021-08-23. Review status: criteria provided, single submitter. Criteria: Ambry Variant Classification Scheme 2023. Collection method: clinical testing. Allele origin: germline.